The following is an entry in ClinVar:

NM_014806.5(RUSC2):c.4202C>T (p.Pro1401Leu)

Gene: RUSC2 (RUN and SH3 domain containing 2; plus strand). Cytogenetic location: 9p13.3.
Variant type: single nucleotide variant.
Coding change: c.4202C>T on transcript NM_014806.5 (MANE Select); coding-DNA position 4202, C replaced by T.
Protein change: p.Pro1401Leu; replaces proline 1401 with leucine.
Molecular consequence: missense variant. On other transcripts: non-coding transcript variant (1).
Genome position (GRCh38, 1-based): chr9:35,560,842, C>T. VCF-style: chr9-35560842-C-T. GRCh37 (hg19) VCF-style: chr9-35560839-C-T.
Other names: c.4202C>T, p.Pro1401Leu (NM_001135999.2); c.1568C>T, p.Pro523Leu (NM_001330740.2); c.4202C>T (NM_001135999.1); short protein forms P523L, P1401L.
Identifiers: ClinVar variation 2107870 (VCV002107870.2), dbSNP rs565939061, ClinGen allele CA5044309.

ClinVar aggregate classification (germline): Uncertain significance. Review status: criteria provided, multiple submitters, no conflicts (2 of 4 stars). 2 submissions from 2 submitters: Uncertain significance (2). Last evaluated 2025-05-01.

Allele frequency attached by ClinVar (database versions not stated): TOPMed 0.00005; 1000 Genomes Project 30x 0.00016; 1000 Genomes Project 0.00020; ExAC 0.00001; gnomAD 0.00003.
gnomAD v4.1: 11 of 1,534,858 alleles (0.00072%); highest among the groups gnomAD compares: African/African-American, 0.014%; no homozygotes.

Submissions (2):

Ambry Genetics
Classification: Uncertain significance. Last evaluated: 2025-05-01. Review status: criteria provided, single submitter. Criteria: Ambry Variant Classification Scheme 2023. Collection method: clinical testing. Allele origin: germline.

Labcorp Genetics (formerly Invitae), Labcorp
Classification: Uncertain significance. Last evaluated: 2022-05-21. Review status: criteria provided, single submitter. Criteria: Invitae Variant Classification Sherloc (09022015). Collection method: clinical testing. Allele origin: germline.
Comment: This sequence change replaces proline, which is neutral and non-polar, with leucine, which is neutral and non-polar, at codon 1401 of the RUSC2 protein (p.Pro1401Leu). This variant is present in population databases (rs565939061, gnomAD 0.02%). This variant has not been reported in the literature in individuals affected with RUSC2-related conditions. Algorithms developed to predict the effect of missense changes on protein structure and function (SIFT, PolyPhen-2, Align-GVGD) all suggest that this variant is likely to be tolerated. In summary, the available evidence is currently insufficient to determine the role of this variant in disease. Therefore, it has been classified as a Variant of Uncertain Significance.